The following is an entry in ClinVar:

ClinVar aggregate classification (germline): Uncertain significance (1 of 4 stars; one submission).

Conditions:
Hereditary nonpolyposis colorectal neoplasms. Identifiers: MedGen C0009405, MeSH D003123.

Allele frequency attached by ClinVar (database versions not stated): gnomAD exomes below 0.00001.

Submission:

Labcorp Genetics (formerly Invitae), Labcorp
Classification: Uncertain significance for Hereditary nonpolyposis colorectal neoplasms. Last evaluated: 2023-05-09. Review status: criteria provided, single submitter. Criteria: Invitae Variant Classification Sherloc (09022015). Collection method: clinical testing. Allele origin: germline.
Comment: This sequence change replaces proline, which is neutral and non-polar, with alanine, which is neutral and non-polar, at codon 446 of the PMS2 protein (p.Pro446Ala). In summary, the available evidence is currently insufficient to determine the role of this variant in disease. Therefore, it has been classified as a Variant of Uncertain Significance. Advanced modeling of protein sequence and biophysical properties (such as structural, functional, and spatial information, amino acid conservation, physicochemical variation, residue mobility, and thermodynamic stability) performed at Invitae indicates that this missense variant is not expected to disrupt PMS2 protein function. This variant has not been reported in the literature in individuals affected with PMS2-related conditions. This variant is not present in population databases (gnomAD no frequency).

NM_000535.7(PMS2):c.1336C>G (p.Pro446Ala)

Gene: PMS2 (PMS1 homolog 2, mismatch repair system component; minus strand). Cytogenetic location: 7p22.1.
Variant type: single nucleotide variant.
Coding change: c.1336C>G on transcript NM_000535.7 (MANE Select); coding-DNA position 1336, C replaced by G.
Protein change: p.Pro446Ala; replaces proline 446 with alanine.
Molecular consequence: missense variant. On other transcripts: non-coding transcript variant (1), intron variant (1).
Genome position (GRCh38, 1-based): chr7:5,987,429, G>C on the plus strand (C>G on the coding strand, the complement: PMS2 is on the minus strand). VCF-style: chr7-5987429-G-C. GRCh37 (hg19) VCF-style: chr7-6027060-G-C.
Other names: c.931C>G, p.Pro311Ala (NM_001406897.1, NM_001406898.1, NM_001406910.1 and 17 more transcripts); c.763C>G, p.Pro255Ala (NM_001406909.1, NM_001322013.2); c.804-4438C>G (NM_001406912.1); c.565C>G, p.Pro189Ala (NM_001406911.1); c.1180C>G, p.Pro394Ala (NM_001322006.2, NM_001406870.1); c.1018C>G, p.Pro340Ala (NM_001322007.2, NM_001322008.2, NM_001406876.1 and 2 more transcripts); c.1336C>G, p.Pro446Ala (NM_001406871.1, NM_001406872.1, NM_001322014.2); c.1138C>G, p.Pro380Ala (NM_001406873.1); and 13 more; short protein forms P135A, P288A, P291A, P390A, P394A, P189A, P255A, P338A.
Identifiers: ClinVar variation 2880176 (VCV002880176.3), dbSNP rs2128733048, ClinGen allele CA366742306.